The following is an entry in ClinVar:

ClinVar aggregate classification (germline): Uncertain significance (1 of 4 stars; one submission).

Conditions:
Hereditary sensory and autonomic neuropathy type 6. Also called: Neuropathy, hereditary sensory and autonomic, type VI; HSAN VI. Identifiers: Orphanet 314381, MedGen C3539003, MONDO:0013839, OMIM 614653.
Epidermolysis bullosa simplex 3, localized or generalized intermediate, with BP230 deficiency (EBS3). Also called: Epidermolysis bullosa simplex, autosomal recessive 2; Epidermolysis bullosa simplex due to BP230 deficiency. Identifiers: Orphanet 412181, MedGen C3809470, MONDO:0014180, OMIM 615425.

Allele frequency attached by ClinVar (database versions not stated): gnomAD exomes below 0.00001.
gnomAD v4.1: 3 of 1,607,436 alleles (0.00019%); highest among the groups gnomAD compares: African/African-American, 0.0027%; no homozygotes.

Submission:

Labcorp Genetics (formerly Invitae), Labcorp
Classification: Uncertain significance for Epidermolysis bullosa simplex 3, localized or generalized intermediate, with BP230 deficiency; Hereditary sensory and autonomic neuropathy type 6. Last evaluated: 2022-05-21. Review status: criteria provided, single submitter. Criteria: Invitae Variant Classification Sherloc (09022015). Collection method: clinical testing. Allele origin: germline.
Comment: In summary, the available evidence is currently insufficient to determine the role of this variant in disease. Therefore, it has been classified as a Variant of Uncertain Significance. Experimental studies and prediction algorithms are not available or were not evaluated, and the functional significance of this variant is currently unknown. This variant has not been reported in the literature in individuals affected with DST-related conditions. This variant is not present in population databases (gnomAD no frequency). This sequence change replaces valine, which is neutral and non-polar, with isoleucine, which is neutral and non-polar, at codon 3090 of the DST protein (p.Val3090Ile). The DST gene has multiple clinically relevant transcripts. This variant occurs in alternate transcript NM_015548.4, and corresponds to NM_001723.5:c.*85412G>A in the primary transcript.

NM_001374736.1(DST):c.17137G>A (p.Val5713Ile)

Gene: DST (dystonin; minus strand). Cytogenetic location: 6p12.1.
Variant type: single nucleotide variant.
Coding change: c.17137G>A on transcript NM_001374736.1 (MANE Select); coding-DNA position 17137, G replaced by A.
Protein change: p.Val5713Ile; replaces valine 5713 with isoleucine.
Molecular consequence: missense variant.
Genome position (GRCh38, 1-based): chr6:56,530,105, C>T on the plus strand (G>A on the coding strand, the complement: DST is on the minus strand). VCF-style: chr6-56530105-C-T. GRCh37 (hg19) VCF-style: chr6-56394903-C-T.
Other names: c.10780G>A, p.Val3594Ile (NM_001144769.5); c.10366G>A, p.Val3456Ile (NM_001144770.2); c.17137G>A, p.Val5713Ile (NM_001374722.1); c.16504G>A, p.Val5502Ile (NM_001374729.1); c.10246G>A, p.Val3416Ile (NM_001374730.1, NM_001386100.1, NM_183380.4); c.17164G>A, p.Val5722Ile (NM_001374734.1); c.9268G>A, p.Val3090Ile (NM_015548.5); short protein forms V3090I, V3416I, V3456I, V3594I, V5502I, V5713I, V5722I.
Identifiers: ClinVar variation 2420065 (VCV002420065.8), dbSNP rs2096869127, ClinGen allele CA364509423.